The following is an entry in ClinVar:

NM_001267550.2(TTN):c.51574G>T (p.Glu17192Ter)

Genes: TTN-AS1 (TTN antisense RNA 1; plus strand), TTN (titin; minus strand). Cytogenetic location: 2q31.2.
Variant type: single nucleotide variant.
Coding change: c.51574G>T on transcript NM_001267550.2 (MANE Select); coding-DNA position 51574, G replaced by T.
Protein change: p.Glu17192Ter; replaces glutamic acid 17192 with a stop codon.
Molecular consequence: nonsense.
Genome position (GRCh38, 1-based): chr2:178,609,849, C>A on the plus strand (G>T on the coding strand, the complement: TTN is on the minus strand). VCF-style: chr2-178609849-C-A. GRCh37 (hg19) VCF-style: chr2-179474576-C-A.
Other names: c.46651G>T, p.Glu15551Ter (NM_001256850.1); c.24379G>T, p.Glu8127Ter (NM_003319.4); c.43870G>T, p.Glu14624Ter (NM_133378.4); c.24754G>T, p.Glu8252Ter (NM_133432.3); c.24955G>T, p.Glu8319Ter (NM_133437.4); short protein forms E15551*, E17192*, E8127*, E8252*, E8319*, E14624*.
Identifiers: ClinVar variation 2124027 (VCV002124027.4), dbSNP rs2470408475, ClinGen allele CA349584334.

ClinVar aggregate classification (germline): Likely pathogenic (1 of 4 stars; one submission).

Conditions:
Autosomal recessive limb-girdle muscular dystrophy type 2J (LGMDR10). Also called: Limb-girdle muscular dystrophy, type 2J; MUSCULAR DYSTROPHY, LIMB-GIRDLE, AUTOSOMAL RECESSIVE 10. Identifiers: Orphanet 140922, MedGen C1837342, MONDO:0012127, OMIM 608807.
Dilated cardiomyopathy 1G (CMD1G). Identifiers: Orphanet 154, MedGen C1858763, MONDO:0011400, OMIM 604145.

Submission:

Labcorp Genetics (formerly Invitae), Labcorp
Classification: Likely pathogenic for Dilated cardiomyopathy 1G; Autosomal recessive limb-girdle muscular dystrophy type 2J. Last evaluated: 2024-01-27. Review status: criteria provided, single submitter. Criteria: Invitae Variant Classification Sherloc (09022015). Collection method: clinical testing. Allele origin: germline.
Comment: This sequence change creates a premature translational stop signal (p.Glu17192*) in the TTN gene. While this is not anticipated to result in nonsense mediated decay, it is expected to create a truncated TTN protein. This variant is not present in population databases (gnomAD no frequency). This variant has not been reported in the literature in individuals affected with TTN-related conditions. ClinVar contains an entry for this variant (Variation ID: 2124027). This variant is located in the A band of TTN (PMID: 25589632). Truncating variants in this region are significantly overrepresented in patients affected with dilated cardiomyopathy (PMID: 25589632). Truncating variants in this region have also been reported in individuals affected with autosomal recessive centronuclear myopathy (PMID: 23975875). In summary, the currently available evidence indicates that the variant is pathogenic, but additional data are needed to prove that conclusively. Therefore, this variant has been classified as Likely Pathogenic.

Literature cited by the submitters: PubMed 25589632; PubMed 23975875.